The following is an entry in ClinVar:

NM_014844.5(TECPR2):c.1125C>T (p.Val375=)

Gene: TECPR2 (tectonin beta-propeller repeat containing 2; plus strand). Cytogenetic location: 14q32.31.
Variant type: single nucleotide variant.
Coding change: c.1125C>T on transcript NM_014844.5 (MANE Select); coding-DNA position 1125, C replaced by T.
Protein change: p.Val375=; no amino-acid change (valine 375 retained).
Molecular consequence: synonymous variant.
Genome position (GRCh38, 1-based): chr14:102,431,836, C>T. VCF-style: chr14-102431836-C-T. GRCh37 (hg19) VCF-style: chr14-102898173-C-T.
Other names: c.1125C>T, p.Val375= (NM_001172631.3).
Identifiers: ClinVar variation 1147147 (VCV001147147.30), dbSNP rs144187959, ClinGen allele CA7357647.

ClinVar aggregate classification (germline): Conflicting classifications of pathogenicity. Review status: criteria provided, conflicting classifications (1 of 4 stars). 3 submissions from 3 submitters: Uncertain significance (2); Likely benign (1). Last evaluated 2025-12-23.

Conditions:
Hereditary spastic paraplegia 49 (HSAN9). Also called: NEUROPATHY, HEREDITARY SENSORY AND AUTONOMIC, TYPE IX, WITH DEVELOPMENTAL DELAY; TECPR2-Related Hereditary Sensory and Autonomic Neuropathy with Intellectual Disability; Spastic paraplegia 49, autosomal recessive. Identifiers: Orphanet 320385, MedGen C5190860, MONDO:0014016, OMIM 615031.
Hereditary spastic paraplegia. Also called: Familial spastic paraparesis. Identifiers: Orphanet 685, MedGen C0037773, MONDO:0019064. Disease mechanism: loss of function.

Allele frequency attached by ClinVar (database versions not stated): TOPMed 0.00006; ExAC 0.00007; gnomAD exomes 0.00008 and 0.00017; gnomAD 0.00011; ESP Exome Variant Server 0.00031.
gnomAD v4.1: 275 of 1,595,312 alleles (0.017%); highest among the groups gnomAD compares: Non-Finnish European, 0.022%; no homozygotes.

Submissions (3):

Labcorp Genetics (formerly Invitae), Labcorp
Classification: Likely benign for Hereditary spastic paraplegia 49. Last evaluated: 2025-12-23. Review status: criteria provided, single submitter. Criteria: Invitae Variant Classification Sherloc (09022015). Collection method: clinical testing. Allele origin: germline.

CeGaT Center for Human Genetics Tuebingen
Classification: Uncertain significance. Last evaluated: 2024-06-01. Review status: criteria provided, single submitter. Criteria: CeGaT Center For Human Genetics Tuebingen Variant Classification Criteria Version 2. Collection method: clinical testing. Allele origin: germline. Affected: yes. Observed: 1 variant allele.
Comment: TECPR2: PM2, BP4

Genome Diagnostics Laboratory, The Hospital for Sick Children
Classification: Uncertain significance for Hereditary spastic paraplegia. Last evaluated: 2017-11-01. Review status: criteria provided, single submitter. Criteria: ACMG Guidelines, 2015. Collection method: clinical testing. Allele origin: germline. Affected: yes.